The following is an entry in ClinVar:

ClinVar aggregate classification (germline): Uncertain significance (1 of 4 stars; one submission).

Conditions:
X-linked immunodeficiency with magnesium defect, Epstein-Barr virus infection and neoplasia. Identifiers: Orphanet 317476, MedGen C3275445, MONDO:0010455, OMIM 300853.

Allele frequency attached by ClinVar (database versions not stated): TOPMed below 0.00001; ExAC 0.00001; gnomAD 0.00001; gnomAD exomes 0.00001 and 0.00002.
gnomAD v4.1: 10 of 1,204,952 alleles (0.00083%); highest among the groups gnomAD compares: Middle Eastern, 0.16%; no homozygotes.

Submission:

Labcorp Genetics (formerly Invitae), Labcorp
Classification: Uncertain significance for X-linked immunodeficiency with magnesium defect, Epstein-Barr virus infection and neoplasia. Last evaluated: 2025-08-18. Review status: criteria provided, single submitter. Criteria: Invitae Variant Classification Sherloc (09022015). Collection method: clinical testing. Allele origin: germline.
Comment: This sequence change replaces leucine, which is neutral and non-polar, with phenylalanine, which is neutral and non-polar, at codon 227 of the MAGT1 protein (p.Leu227Phe). This variant is present in population databases (rs782783057, gnomAD 0.001%). This variant has not been reported in the literature in individuals affected with MAGT1-related conditions. ClinVar contains an entry for this variant (Variation ID: 659303). Invitae Evidence Modeling of protein sequence and biophysical properties (such as structural, functional, and spatial information, amino acid conservation, physicochemical variation, residue mobility, and thermodynamic stability) indicates that this missense variant is not expected to disrupt MAGT1 protein function with a negative predictive value of 80%. In summary, the available evidence is currently insufficient to determine the role of this variant in disease. Therefore, it has been classified as a Variant of Uncertain Significance.

NM_001367916.1(MAGT1):c.583C>T (p.Leu195Phe)

Gene: MAGT1 (magnesium transporter 1; minus strand). Cytogenetic location: Xq21.1.
Variant type: single nucleotide variant.
Coding change: c.583C>T on transcript NM_001367916.1 (MANE Select); coding-DNA position 583, C replaced by T.
Protein change: p.Leu195Phe; replaces leucine 195 with phenylalanine.
Molecular consequence: missense variant.
Genome position (GRCh38, 1-based): chrX:77,856,822, G>A on the plus strand (C>T on the coding strand, the complement: MAGT1 is on the minus strand). VCF-style: chrX-77856822-G-A. GRCh37 (hg19) VCF-style: chrX-77112319-G-A.
Other names: c.679C>T, p.Leu227Phe (LRG_353t1, NM_032121.5); short protein forms L195F, L227F.
Identifiers: ClinVar variation 659303 (VCV000659303.5), dbSNP rs782783057, ClinGen allele CA10458497.